The following is an entry in ClinVar:

ClinVar aggregate classification (germline): Uncertain significance (1 of 4 stars; one submission).

Submission:

Labcorp Genetics (formerly Invitae), Labcorp
Classification: Uncertain significance. Last evaluated: 2025-09-16. Review status: criteria provided, single submitter. Criteria: Invitae Variant Classification Sherloc (09022015). Collection method: clinical testing. Allele origin: germline.
Comment: This sequence change replaces glutamine, which is neutral and polar, with lysine, which is basic and polar, at codon 908 of the SAMD9 protein (p.Gln908Lys). Information on the frequency of this variant in the gnomAD database is not available, as this variant may be reported differently in the database. This variant has not been reported in the literature in individuals affected with SAMD9-related conditions. Experimental studies and prediction algorithms are not available or were not evaluated, and the functional significance of this variant is currently unknown. In summary, the available evidence is currently insufficient to determine the role of this variant in disease. Therefore, it has been classified as a Variant of Uncertain Significance.

NM_017654.4(SAMD9):c.2721_2722delinsAA (p.Gln908Lys)

Gene: SAMD9 (sterile alpha motif domain containing 9; minus strand). Cytogenetic location: 7q21.2.
Variant type: Indel.
Coding change: c.2721_2722delinsAA on transcript NM_017654.4 (MANE Select); coding-DNA positions 2721 to 2722, GC replaced by AA.
Protein change: p.Gln908Lys; replaces glutamine 908 with lysine.
Molecular consequence: missense variant.
Genome position (GRCh38, 1-based): chr7:93,103,376-93,103,377, GC replaced by TT on the plus strand (GC replaced by AA on the coding strand, the reverse complement: SAMD9 is on the minus strand). VCF-style: chr7-93103376-GC-TT. GRCh37 (hg19) VCF-style: chr7-92732689-GC-TT.
Other names: c.2721_2722delinsAA, p.Gln908Lys (NM_001193307.2); short protein forms Q908K.
Identifiers: ClinVar variation 4727363 (VCV004727363.1).